The following is an entry in ClinVar:

ClinVar aggregate classification (germline): Conflicting classifications of pathogenicity. Review status: criteria provided, conflicting classifications (1 of 4 stars). 7 submissions from 7 submitters: Uncertain significance (5); Likely benign (1). 1 of the submissions does not count toward it. Last evaluated 2025-05-05.

Conditions:
Cardiovascular phenotype. Identifiers: MedGen CN230736.
Long QT syndrome (LQTS). Identifiers: MedGen C0023976, MeSH D008133, MONDO:0002442. Disease mechanism: loss of function. Inheritance: Various modes of inheritance.
Cardiac arrhythmia, ankyrin-B-related. Also called: ANKYRIN-B SYNDROME. Identifiers: Orphanet 101016, Orphanet 768, MedGen C1970119, MONDO:0010958, OMIM 600919.
Intellectual disability. Also called: Intellectual functioning disability; intellectual disabilities; Intellectual developmental disorder. Identifiers: MedGen C3714756, MeSH D008607, MONDO:0001071, HP:0001249.

Submissions (7):

Labcorp Genetics (formerly Invitae), Labcorp
Classification: Uncertain significance for Long QT syndrome. Last evaluated: 2025-05-05. Review status: criteria provided, single submitter. Criteria: Invitae Variant Classification Sherloc (09022015). Collection method: clinical testing. Allele origin: germline.
Comment: This variant, c.7054_7059del, results in the deletion of 2 amino acid(s) of the ANK2 protein (p.Gly2352_Gln2353del), but otherwise preserves the integrity of the reading frame. This variant is present in population databases (rs774514148, gnomAD 0.01%). This variant has not been reported in the literature in individuals affected with ANK2-related conditions. ClinVar contains an entry for this variant (Variation ID: 288266). Experimental studies and prediction algorithms are not available or were not evaluated, and the functional significance of this variant is currently unknown. In summary, the available evidence is currently insufficient to determine the role of this variant in disease. Therefore, it has been classified as a Variant of Uncertain Significance.

GeneDx
Classification: Uncertain significance. Last evaluated: 2023-01-03. Review status: criteria provided, single submitter. Criteria: GeneDx Variant Classification Process June 2021. Collection method: clinical testing. Allele origin: germline. Affected: yes.
Comment: In-frame deletion of two amino acids in a non-repeat region; In silico analysis supports a deleterious effect on protein structure/function; Located in exon 38, which is reported as being expressed in a brain-specific transcript (Otto et al, 1991; Cunha et al, 2008; Wu et al, 2015); Has not been previously published as pathogenic or benign to our knowledge; This variant is associated with the following publications: (PMID: 27535533)

Ambry Genetics
Classification: Likely benign for Cardiovascular phenotype. Last evaluated: 2022-12-20. Review status: criteria provided, single submitter. Criteria: Ambry Variant Classification Scheme 2023. Collection method: clinical testing. Allele origin: germline.

Fulgent Genetics
Classification: Uncertain significance for Cardiac arrhythmia, ankyrin-B-related. Last evaluated: 2021-07-16. Review status: criteria provided, single submitter. Criteria: ACMG Guidelines, 2015. Collection method: clinical testing. Allele origin: unknown.

Eurofins Ntd Llc (ga)
Classification: Uncertain significance. Last evaluated: 2016-06-06. Review status: criteria provided, single submitter. Criteria: EGL Classification Definitions 2015. Collection method: clinical testing. Allele origin: germline. Observed: 2 variant alleles, 2 heterozygotes.

Women's Health and Genetics/Laboratory Corporation of America, LabCorp
Classification: Uncertain significance. Last evaluated: 2016-02-22. Review status: criteria provided, single submitter. Criteria: LabCorp Variant Classification Summary - May 2015. Collection method: clinical testing. Allele origin: germline.
Comment: Variant summary: The c.7054_7059delGGTCAA variant leads to deletion of 6 nucleotides (deletion of Gly and Gln) in a non-repetitive region. One in-silico tool predicts benign outcome for this variant. 5/5 programs in Alamut predict that this variant does not affect normal splicing. ESE finder predicts that this variant may affect ESE site of SC35. However, these predictions are not confirmed by experimental studies. This variant is found in 13/121240 control chromosomes at a frequency of 0.0001072, which is about 11 times of maximal expected frequency of a pathogenic allele (0.00001), suggesting this variant is benign. However, the sequencing data in controls did not pass the quality filter, which puts the control allele frequency in doubt. The variant of interest has not, to our knowledge, been reported in affected individuals via publications and/or reputable databases/other clinical laboratories; nor evaluated for functional impact by in vivo/vitro studies. Taken together, this variant was classified as VUS-possibly benign.

Centre de Biologie Pathologie Génétique, Centre Hospitalier Universitaire de Lille
Classification: Likely benign for Intellectual disability. Last evaluated: 2019-01-01. Review status: no assertion criteria provided. Collection method: clinical testing. Allele origin: inherited. Affected: yes. Not counted in ClinVar's aggregate classification.

Literature cited by the submitters: PubMed 28255936 (cited by Ambry Genetics).

NM_001148.6(ANK2):c.7054_7059del (p.Gly2352_Gln2353del)

Genes: ANK2 (ankyrin 2; plus strand), LOC126807137 (CDK7 strongly-dependent group 2 enhancer GRCh37_chr4:114276560-114277759; plus strand). Cytogenetic location: 4q26.
Variant type: Deletion.
Coding change: c.7054_7059del on transcript NM_001148.6 (MANE Select); coding-DNA positions 7054 to 7059, 6 bases deleted (GGTCAA; older notation c.7054_7059delGGTCAA).
Protein change: p.Gly2352_Gln2353del.
Molecular consequence: inframe deletion. On other transcripts: intron variant (68).
Genome position (GRCh38, 1-based): chr4:113,355,672-113,355,677, GGTCAA deleted; deleting any 6 consecutive bases within chr4:113,355,670-113,355,677 gives the same sequence; the c. name uses the placement nearest the transcript's 3' end. VCF-style (leftmost placement, unchanged base first): chr4-113355669-GAAGGTC-G. GRCh37 (hg19) VCF-style: chr4-114276825-GAAGGTC-G.
Other names: c.6820_6825del, p.Gly2274_Gln2275del (NM_001386142.1); c.3454_3459del, p.Gly1152_Gln1153del (NM_001386166.1); c.7195_7200del, p.Gly2399_Gln2400del (NM_001386174.1); c.7171_7176del, p.Gly2391_Gln2392del (NM_001386175.1); c.4412-5151_4412-5146del (NM_001386186.2, NM_001386148.2); c.4214-5151_4214-5146del (NM_001354269.3); c.4292-5151_4292-5146del (NM_001386187.2); c.4253-5151_4253-5146del (NM_001386147.1); and 36 more.
Identifiers: ClinVar variation 288266 (VCV000288266.19), dbSNP rs774514148, ClinGen allele CA3051519.